The following is an entry in ClinVar:

ClinVar aggregate classification (germline): Likely benign (0 of 4 stars; one submission).

Conditions:
RAB11FIP5-related disorder. Also called: RAB11FIP5-related condition.

Submission:

PreventionGenetics, part of Exact Sciences
Classification: Likely benign for RAB11FIP5-related condition. Last evaluated: 2019-03-20. Review status: no assertion criteria provided. Collection method: clinical testing. Allele origin: germline.
Comment: This variant is classified as likely benign based on ACMG/AMP sequence variant interpretation guidelines (Richards et al. 2015 PMID: 25741868, with internal and published modifications).

NM_001371272.1(RAB11FIP5):c.1348_1350del (p.Lys450del)

Gene: RAB11FIP5 (RAB11 family interacting protein 5; minus strand). Cytogenetic location: 2p13.2.
Variant type: Deletion.
Coding change: c.1348_1350del on transcript NM_001371272.1 (MANE Select); coding-DNA positions 1348 to 1350, 3 bases deleted (AAG; older notation c.1348_1350delAAG).
Protein change: p.Lys450del; deletes lysine 450.
Genome position (GRCh38, 1-based): chr2:73,088,268-73,088,270, CTT deleted on the plus strand (AAG on the coding strand, the reverse complement: RAB11FIP5 is on the minus strand); deleting any 3 consecutive bases within chr2:73,088,268-73,088,272 gives the same sequence; the c. name uses the placement nearest the transcript's 3' end. VCF-style (leftmost placement, unchanged base first): chr2-73088267-CCTT-C. GRCh37 (hg19) VCF-style: chr2-73315395-CCTT-C.
Other names: c.1348_1350del, p.Lys450del (NM_015470.3); short protein forms K450del.
Identifiers: ClinVar variation 3051737 (VCV003051737.2), dbSNP rs771070499, ClinGen allele CA1710033.